The following is an entry in ClinVar:

ClinVar aggregate classification (germline): Uncertain significance (1 of 4 stars; one submission).

Allele frequency attached by ClinVar (database versions not stated): ExAC 0.00006; gnomAD 0.00006; gnomAD exomes 0.00006; TOPMed 0.00007; ESP Exome Variant Server 0.00016.
gnomAD v4.1: 98 of 1,612,216 alleles (0.0061%); highest among the groups gnomAD compares: Non-Finnish European, 0.0075%; no homozygotes.

Submission:

Labcorp Genetics (formerly Invitae), Labcorp
Classification: Uncertain significance. Last evaluated: 2023-12-07. Review status: criteria provided, single submitter. Criteria: Invitae Variant Classification Sherloc (09022015). Collection method: clinical testing. Allele origin: germline.
Comment: This sequence change replaces arginine, which is basic and polar, with cysteine, which is neutral and slightly polar, at codon 2308 of the CACNA1B protein (p.Arg2308Cys). This variant is present in population databases (rs200556692, gnomAD 0.009%). This variant has not been reported in the literature in individuals affected with CACNA1B-related conditions. Advanced modeling of protein sequence and biophysical properties (such as structural, functional, and spatial information, amino acid conservation, physicochemical variation, residue mobility, and thermodynamic stability) performed at Invitae indicates that this missense variant is not expected to disrupt CACNA1B protein function with a negative predictive value of 95%. In summary, the available evidence is currently insufficient to determine the role of this variant in disease. Therefore, it has been classified as a Variant of Uncertain Significance.

NM_000718.4(CACNA1B):c.6922C>T (p.Arg2308Cys)

Gene: CACNA1B (calcium voltage-gated channel subunit alpha1 B; plus strand). Cytogenetic location: 9q34.3.
Variant type: single nucleotide variant.
Coding change: c.6922C>T on transcript NM_000718.4 (MANE Select); coding-DNA position 6922, C replaced by T.
Protein change: p.Arg2308Cys; replaces arginine 2308 with cysteine.
Molecular consequence: missense variant. On other transcripts: 3 prime UTR variant (1).
Genome position (GRCh38, 1-based): chr9:138,121,901, C>T. VCF-style: chr9-138121901-C-T. GRCh37 (hg19) VCF-style: chr9-141016353-C-T.
Other names: c.*21C>T (NM_001243812.2); short protein forms R2308C.
Identifiers: ClinVar variation 2848471 (VCV002848471.1), dbSNP rs200556692, ClinGen allele CA5377834.